The following is an entry in ClinVar:

NM_005477.3(HCN4):c.3503_3506del (p.Phe1168fs)

Gene: HCN4 (hyperpolarization activated cyclic nucleotide gated potassium channel 4; minus strand). Cytogenetic location: 15q24.1.
Variant type: Deletion.
Coding change: c.3503_3506del on transcript NM_005477.3 (MANE Select); coding-DNA positions 3503 to 3506, 4 bases deleted (TTGG; older notation c.3503_3506delTTGG).
Protein change: p.Phe1168fs; shifts the reading frame from phenylalanine 1168.
Molecular consequence: frameshift variant.
Genome position (GRCh38, 1-based): chr15:73,322,587-73,322,590, CCAA deleted on the plus strand (TTGG on the coding strand, the reverse complement: HCN4 is on the minus strand). VCF-style (leftmost placement, unchanged base first): chr15-73322586-CCCAA-C. GRCh37 (hg19) VCF-style: chr15-73614927-CCCAA-C.
Other names: short protein forms F1168fs.
Identifiers: ClinVar variation 4716288 (VCV004716288.1).
Genomic context (GRCh38, chr15:73,322,586, plus strand): 5'-CCCAGGTTCCCTCTGGGGTCCAGCAGTCAGAGGGGGCCCCCCAGAAGAGGTGGCTCTTGC[CCCAA>C]ACAAAGACAGAGGGGGTGGCAAAGAACCTGAGGATGTCTTCCGAGGCAGAGTGACGTGCT-3'

ClinVar aggregate classification (germline): Uncertain significance (1 of 4 stars; one submission).

Conditions:
Brugada syndrome 8 (BRGDA8). Identifiers: Orphanet 130, MedGen C2751083, MONDO:0013148, OMIM 613123.

Submission:

Labcorp Genetics (formerly Invitae), Labcorp
Classification: Uncertain significance for Brugada syndrome 8. Last evaluated: 2025-04-23. Review status: criteria provided, single submitter. Criteria: Invitae Variant Classification Sherloc (09022015). Collection method: clinical testing. Allele origin: germline.
Comment: This sequence change creates a premature translational stop signal (p.Phe1168Trpfs*12) in the HCN4 gene. While this is not anticipated to result in nonsense mediated decay, it is expected to disrupt the last 36 amino acid(s) of the HCN4 protein. This variant is not present in population databases (gnomAD no frequency). This variant has not been reported in the literature in individuals affected with HCN4-related conditions. Experimental studies and prediction algorithms are not available or were not evaluated, and the functional significance of this variant is currently unknown. In summary, the available evidence is currently insufficient to determine the role of this variant in disease. Therefore, it has been classified as a Variant of Uncertain Significance.